The following is an entry in ClinVar:

NM_004618.5(TOP3A):c.1481A>G (p.Tyr494Cys)

Gene: TOP3A (DNA topoisomerase III alpha; minus strand). Cytogenetic location: 17p11.2.
Variant type: single nucleotide variant.
Coding change: c.1481A>G on transcript NM_004618.5 (MANE Select); coding-DNA position 1481, A replaced by G.
Protein change: p.Tyr494Cys; replaces tyrosine 494 with cysteine.
Molecular consequence: missense variant.
Genome position (GRCh38, 1-based): chr17:18,290,673, T>C on the plus strand (A>G on the coding strand, the complement: TOP3A is on the minus strand). VCF-style: chr17-18290673-T-C. GRCh37 (hg19) VCF-style: chr17-18193987-T-C.
Other names: c.1196A>G, p.Tyr399Cys (NM_001320759.2); c.1481A>G (NM_004618.3); short protein forms Y399C, Y494C.
Identifiers: ClinVar variation 2186114 (VCV002186114.6), dbSNP rs138286093, ClinGen allele CA8429883.

ClinVar aggregate classification (germline): Uncertain significance. Review status: criteria provided, multiple submitters, no conflicts (2 of 4 stars). 3 submissions from 3 submitters: Uncertain significance (3). Last evaluated 2025-02-02.

Conditions:
Inborn genetic diseases. Identifiers: MedGen C0950123, MeSH D030342.

Allele frequency attached by ClinVar (database versions not stated): gnomAD 0.00004; ExAC 0.00005; TOPMed 0.00006; ESP Exome Variant Server 0.00023.
gnomAD v4.1: 132 of 1,603,744 alleles (0.0082%); highest among the groups gnomAD compares: Non-Finnish European, 0.011%; no homozygotes.

Submissions (3):

Ambry Genetics
Classification: Uncertain significance for Inborn genetic diseases. Last evaluated: 2025-02-02. Review status: criteria provided, single submitter. Criteria: Ambry Variant Classification Scheme 2023. Collection method: clinical testing. Allele origin: germline.

Blueprint Genetics
Classification: Uncertain significance. Last evaluated: 2024-11-25. Review status: criteria provided, single submitter. Criteria: ACMG Guidelines, 2015. Collection method: clinical testing. Allele origin: germline.

Labcorp Genetics (formerly Invitae), Labcorp
Classification: Uncertain significance. Last evaluated: 2023-08-17. Review status: criteria provided, single submitter. Criteria: Invitae Variant Classification Sherloc (09022015). Collection method: clinical testing. Allele origin: germline.
Comment: This variant is present in population databases (rs138286093, gnomAD 0.01%). This variant has not been reported in the literature in individuals affected with TOP3A-related conditions. ClinVar contains an entry for this variant (Variation ID: 2186114). An algorithm developed to predict the effect of missense changes on protein structure and function (PolyPhen-2) suggests that this variant is likely to be disruptive. In summary, the available evidence is currently insufficient to determine the role of this variant in disease. Therefore, it has been classified as a Variant of Uncertain Significance. This sequence change replaces tyrosine, which is neutral and polar, with cysteine, which is neutral and slightly polar, at codon 494 of the TOP3A protein (p.Tyr494Cys).